The following is an entry in ClinVar:

ClinVar aggregate classification (germline): Uncertain significance. Review status: criteria provided, multiple submitters, no conflicts (2 of 4 stars). 2 submissions from 2 submitters: Uncertain significance (2). Last evaluated 2025-09-27.

Conditions:
Hereditary cancer-predisposing syndrome. Also called: Tumor predisposition; Hereditary Cancer Syndrome; Hereditary neoplastic syndrome; Neoplastic Syndromes, Hereditary. Identifiers: Orphanet 140162, MedGen C0027672, MeSH D009386, MONDO:0015356.

Submissions (2):

Ambry Genetics
Classification: Uncertain significance for Hereditary cancer-predisposing syndrome. Last evaluated: 2025-09-27. Review status: criteria provided, single submitter. Criteria: Ambry Variant Classification Scheme 2023. Collection method: clinical testing. Allele origin: germline.
Comment: The p.E375K variant (also known as c.1123G>A), located in coding exon 12 of the BAP1 gene, results from a G to A substitution at nucleotide position 1123. The glutamic acid at codon 375 is replaced by lysine, an amino acid with similar properties. This amino acid position is conserved. In addition, the in silico prediction for this alteration is inconclusive. Based on the available evidence, the clinical significance of this variant remains unclear.

Quest Diagnostics Nichols Institute San Juan Capistrano
Classification: Uncertain significance. Last evaluated: 2025-06-19. Review status: criteria provided, single submitter. Criteria: Quest Diagnostics criteria. Collection method: clinical testing. Allele origin: unknown.
Comment: The BAP1 c.1123G>A (p.Glu375Lys) variant has been reported in the published literature in an individual with conjunctival melanoma (PMID: 29559732 (2018)). This variant has not been reported in large, multi-ethnic general populations (Genome Aggregation Database). Analysis of this variant using bioinformatics tools for the prediction of the effect of amino acid changes on protein structure and function yielded conflicting predictions that this variant is benign or damaging. Based on the available information, we are unable to determine the clinical significance of this variant.

Literature cited by the submitters: PubMed 29559732 (cited by Quest Diagnostics Nichols Institute San Juan Capistrano).

NM_004656.4(BAP1):c.1123G>A (p.Glu375Lys)

Gene: BAP1 (BRCA1 associated deubiquitinase 1; minus strand). Cytogenetic location: 3p21.1.
Variant type: single nucleotide variant.
Coding change: c.1123G>A on transcript NM_004656.4 (MANE Select); coding-DNA position 1123, G replaced by A.
Protein change: p.Glu375Lys; replaces glutamic acid 375 with lysine.
Molecular consequence: missense variant.
Genome position (GRCh38, 1-based): chr3:52,404,580, C>T on the plus strand (G>A on the coding strand, the complement: BAP1 is on the minus strand). VCF-style: chr3-52404580-C-T. GRCh37 (hg19) VCF-style: chr3-52438596-C-T.
Other names: c.1069G>A, p.Glu357Lys (NM_001410772.1); short protein forms E357K, E375K.
Identifiers: ClinVar variation 4533078 (VCV004533078.2).